The following is an entry in ClinVar:

NM_001737.5(C9):c.1052C>T (p.Ser351Phe)

Gene: C9 (complement C9; minus strand). Cytogenetic location: 5p13.1.
Variant type: single nucleotide variant.
Coding change: c.1052C>T on transcript NM_001737.5 (MANE Select); coding-DNA position 1052, C replaced by T.
Protein change: p.Ser351Phe; replaces serine 351 with phenylalanine.
Molecular consequence: missense variant.
Genome position (GRCh38, 1-based): chr5:39,311,196, G>A on the plus strand (C>T on the coding strand, the complement: C9 is on the minus strand). VCF-style: chr5-39311196-G-A. GRCh37 (hg19) VCF-style: chr5-39311298-G-A.
Other names: c.1052C>T (NM_001737.3); short protein forms S351F.
Identifiers: ClinVar variation 1480371 (VCV001480371.7), dbSNP rs748414247, ClinGen allele CA3246817.
Genomic context (GRCh38, chr5:39,311,196, plus strand): 5'-CCTTTCCGCTTCATGGAAGCTTTATCCAAAACATATATTAGTTCATAGAGTCCTCCTAGA[G>A]ACCCAGAGCTACTGTAGTGAGTTCCATAGGTTTCCAAAAAGGCAAAATATTCTCCCTTTT-3'
Protein context (NP_001728.1, residues 341-361): TYGTHYSSSG[Ser351Phe]LGGLYELIYV

ClinVar aggregate classification (germline): Uncertain significance. Review status: criteria provided, multiple submitters, no conflicts (2 of 4 stars). 2 submissions from 2 submitters: Uncertain significance (2). Last evaluated 2025-12-08.

Conditions:
Inborn genetic diseases. Identifiers: MedGen C0950123, MeSH D030342.

Allele frequency attached by ClinVar (database versions not stated): gnomAD exomes below 0.00001; ExAC 0.00001.

Submissions (2):

Ambry Genetics
Classification: Uncertain significance for Inborn genetic diseases. Last evaluated: 2025-12-08. Review status: criteria provided, single submitter. Criteria: Ambry Variant Classification Scheme 2023. Collection method: clinical testing. Allele origin: germline.

Labcorp Genetics (formerly Invitae), Labcorp
Classification: Uncertain significance. Last evaluated: 2021-02-14. Review status: criteria provided, single submitter. Criteria: Invitae Variant Classification Sherloc (09022015). Collection method: clinical testing. Allele origin: germline.
Comment: This sequence change replaces serine with phenylalanine at codon 351 of the C9 protein (p.Ser351Phe). The serine residue is moderately conserved and there is a large physicochemical difference between serine and phenylalanine. The frequency data for this variant in the population databases is considered unreliable, as metrics indicate poor data quality at this position in the ExAC database. This variant has not been reported in the literature in individuals with C9-related conditions. Algorithms developed to predict the effect of missense changes on protein structure and function are either unavailable or do not agree on the potential impact of this missense change (SIFT: "Not Available"; PolyPhen-2: "Probably Damaging"; Align-GVGD: "Not Available"). In summary, the available evidence is currently insufficient to determine the role of this variant in disease. Therefore, it has been classified as a Variant of Uncertain Significance.